The following is an entry in ClinVar:

ClinVar aggregate classification (germline): Benign/Likely benign. Review status: criteria provided, multiple submitters, no conflicts (2 of 4 stars). 15 submissions from 15 submitters: Benign (4); Likely benign (9). 2 of the submissions do not count toward it. Last evaluated 2026-02-03.

Conditions:
Hereditary cancer-predisposing syndrome. Also called: Tumor predisposition; Hereditary Cancer Syndrome; Neoplastic Syndromes, Hereditary; Hereditary neoplastic syndrome. Identifiers: Orphanet 140162, MedGen C0027672, MeSH D009386, MONDO:0015356.
POLD1-related polyposis and colorectal cancer syndrome (CRCS10). Also called: Colorectal cancer 10; COLORECTAL CANCER, SUSCEPTIBILITY TO, ON CHROMOSOME 19q; Colorectal cancer, susceptibility to, 10. Identifiers: Orphanet 220460, MedGen C2675481, MONDO:0012953, OMIM 612591.
Carcinoma of colon (CRC). Also called: Colonic carcinoma; Colon carcinoma. Identifiers: MedGen C0699790, MONDO:0002032.

Allele frequency attached by ClinVar (database versions not stated): ESP Exome Variant Server 0.00023; gnomAD 0.00046 and 0.00056; TOPMed 0.00046; gnomAD exomes 0.00080 and 0.00090; ExAC 0.00085; 1000 Genomes Project 30x 0.00125; 1000 Genomes Project 0.00140.
gnomAD v4.1: 1,388 of 1,610,402 alleles (0.086%); highest among the groups gnomAD compares: South Asian, 0.31%; 4 homozygotes.

Submissions (15):

Labcorp Genetics (formerly Invitae), Labcorp
Classification: Benign for POLD1-related polyposis and colorectal cancer syndrome. Last evaluated: 2026-02-03. Review status: criteria provided, single submitter. Criteria: Invitae Variant Classification Sherloc (09022015). Collection method: clinical testing. Allele origin: germline.

CeGaT Center for Human Genetics Tuebingen
Classification: Likely benign. Last evaluated: 2025-11-01. Review status: criteria provided, single submitter. Criteria: CeGaT Center For Human Genetics Tuebingen Variant Classification Criteria Version 2. Collection method: clinical testing. Allele origin: germline. Affected: yes. Observed: 6 variant alleles.
Comment: POLD1: BP4, BP7

Mayo Clinic Laboratories, Mayo Clinic
Classification: Likely benign. Last evaluated: 2025-08-27. Review status: criteria provided, single submitter. Criteria: ACMG Guidelines, 2015. Collection method: clinical testing. Allele origin: germline. Observed: 1 variant allele.
Comment: BS1, BP4, BP7

Center for Genomic Medicine, Rigshospitalet, Copenhagen University Hospital
Classification: Likely benign. Last evaluated: 2025-03-04. Review status: criteria provided, single submitter. Criteria: ACMG Guidelines, 2015. Collection method: clinical testing. Allele origin: germline.

Blueprint Genetics
Classification: Likely benign. Last evaluated: 2024-10-14. Review status: criteria provided, single submitter. Criteria: ACMG Guidelines, 2015. Collection method: clinical testing. Allele origin: germline.

KCCC/NGS Laboratory, Kuwait Cancer Control Center
Classification: Benign for POLD1-related polyposis and colorectal cancer syndrome. Last evaluated: 2023-07-07. Review status: criteria provided, single submitter. Criteria: ACMG Guidelines, 2015. Collection method: clinical testing. Allele origin: germline. Affected: yes.

Sema4
Classification: Likely benign for Hereditary cancer-predisposing syndrome. Last evaluated: 2021-05-01. Review status: criteria provided, single submitter. Criteria: Sema4 Curation Guidelines. Collection method: curation. Allele origin: germline.

Quest Diagnostics Nichols Institute San Juan Capistrano
Classification: Benign. Last evaluated: 2019-02-12. Review status: criteria provided, single submitter. Criteria: Quest Diagnostics criteria. Collection method: clinical testing. Allele origin: germline.

Women's Health and Genetics/Laboratory Corporation of America, LabCorp
Classification: Benign. Last evaluated: 2018-12-14. Review status: criteria provided, single submitter. Criteria: LabCorp Variant Classification Summary - May 2015. Collection method: clinical testing. Allele origin: germline.
Comment: Variant summary: POLD1 c.2103C>T alters a non-conserved nucleotide resulting in a synonymous change. 5/5 computational tools predict no significant impact on normal splicing. However, these predictions have yet to be confirmed by functional studies. The variant allele was found at a frequency of 0.00085 in 119288 control chromosomes in the ExAC database, including 1 homozygote. The observed variant frequency is approximately 60 fold of the estimated maximal expected allele frequency for a pathogenic variant in POLD1 causing Colorectal Cancer phenotype (1.4e-05), strongly suggesting that the variant is benign. To our knowledge, no occurrence of c.2103C>T in individuals affected with Colorectal Cancer and no experimental evidence demonstrating its impact on protein function have been reported. Six clinical diagnostic laboratories have submitted clinical-significance assessments for this variant to ClinVar after 2014 without evidence for independent evaluation. All laboratories classified the variant as benign (1x) / likely benign (5x). Based on the evidence outlined above, the variant was classified as benign.

Genetic Services Laboratory, University of Chicago
Classification: Likely benign. Last evaluated: 2018-11-09. Review status: criteria provided, single submitter. Criteria: ACMG Guidelines, 2015. Collection method: clinical testing. Allele origin: germline. Affected: no.

GeneDx
Classification: Likely benign. Last evaluated: 2017-09-12. Review status: criteria provided, single submitter. Criteria: GeneDx Variant Classification (06012015). Collection method: clinical testing. Allele origin: germline. Affected: yes.
Comment: This variant is considered likely benign or benign based on one or more of the following criteria: it is a conservative change, it occurs at a poorly conserved position in the protein, it is predicted to be benign by multiple in silico algorithms, and/or has population frequency not consistent with disease.

PreventionGenetics, part of Exact Sciences
Classification: Likely benign. Last evaluated: 2017-08-11. Review status: criteria provided, single submitter. Criteria: ACMG Guidelines, 2015. Collection method: clinical testing. Allele origin: germline.

Ambry Genetics
Classification: Likely benign for Hereditary cancer-predisposing syndrome. Last evaluated: 2015-07-21. Review status: criteria provided, single submitter. Criteria: Ambry Variant Classification Scheme 2023. Collection method: clinical testing. Allele origin: germline.

True Health Diagnostics
Classification: Likely benign for Hereditary cancer-predisposing syndrome. Last evaluated: 2017-09-29. Review status: no assertion criteria provided. Collection method: clinical testing. Allele origin: germline. Not counted in ClinVar's aggregate classification.

Department of Pathology and Laboratory Medicine, Sinai Health System
Classification: Likely benign for Carcinoma of colon. Review status: no assertion criteria provided. Collection method: clinical testing. Allele origin: unknown. Affected: yes. Study: The Canadian Open Genetics Repository (COGR). Not counted in ClinVar's aggregate classification.
Comment: The POLD1 p.Tyr701= variant was not identified in the literature nor was it identified in the Cosmic or MutDB databases. The variant was identified in the following databases: dbSNP (ID: rs201483538) as â€šÃ„ÃºWith Likely benign allele â€šÃ„Ãº, ClinVar and Clinvitae (4x as benign by Invitae, and as likely benign by GeneDx, Quest Diagnostics and Ambry Genetics). The variant was identified in control databases in 195 of 276096 chromosomes at a frequency of 0.0007 increasing the likelihood this could be a low frequency variant (Genome Aggregation Database Feb 27, 2017). The variant was observed in the African in 2 of 23960 chromosomes (freq: 0.00008), â€šÃ„ÃºOtherâ€šÃ„Ã¹ in 2 of 6448 chromosomes (freq: 0.0003), Latino in 6 of 34352 chromosomes (freq: 0.0002), European Non-Finnish in 76 of 125882 chromosomes (freq: 0.0006), European Finnish in 6 of 25776 chromosomes (freq: 0.0002), and South Asian in 103 of 30756 chromosomes (freq: 0.003). While the variant was not observed in the Ashkenazi Jewish or East Asian populations. The p.Tyr701= variant is not expected to have clinical significance because it does not result in a change of amino acid and is not located in a known consensus splice site. In addition, in silico or computational prediction software programs (SpliceSiteFinder, MaxEntScan, NNSPLICE, GeneSplicer, HumanSpliceFinder) do not predict a difference in splicing. In summary, based on the above information the clinical significance of this variant cannot be determined with certainty at this time although we would lean towards a more benign role for this variant. This variant is classified as likely benign.

Literature cited by the submitters: PubMed 25032700 (cited by Quest Diagnostics Nichols Institute San Juan Capistrano).

NM_002691.4(POLD1):c.2103C>T (p.Tyr701=)

Gene: POLD1 (DNA polymerase delta 1, catalytic subunit; plus strand). Cytogenetic location: 19q13.33.
Variant type: single nucleotide variant.
Coding change: c.2103C>T on transcript NM_002691.4 (MANE Select); coding-DNA position 2103, C replaced by T.
Protein change: p.Tyr701=; no amino-acid change (tyrosine 701 retained).
Molecular consequence: synonymous variant. On other transcripts: non-coding transcript variant (1).
Genome position (GRCh38, 1-based): chr19:50,409,615, C>T. VCF-style: chr19-50409615-C-T. GRCh37 (hg19) VCF-style: chr19-50912872-C-T.
Other names: p.Tyr701=; c.2103C>T, p.Tyr701= (NM_001256849.1); c.2181C>T, p.Tyr727= (NM_001308632.1).
Identifiers: ClinVar variation 239271 (VCV000239271.68), dbSNP rs201483538, ClinGen allele CA9596386.
Genomic context (GRCh38, chr19:50,409,615, plus strand): 5'-CCGGCGCCAGGTCCTGGATGGACGGCAGCTGGCGCTGAAGGTGAGCGCCAACTCCGTATA[C>T]GGCTTCACTGGCGCCCAGGTGGGCAAGTTGCCGTGCCTGGAGATCTCACAGGTGGGCACT-3'
Protein context (NP_002682.2, residues 691-711): LALKVSANSV[Tyr701=]GFTGAQVGKL